The following is an entry in ClinVar:

NM_058216.3(RAD51C):c.146-8A>C

Gene: RAD51C (RAD51 paralog C; plus strand). Cytogenetic location: 17q22.
Variant type: single nucleotide variant.
Coding change: c.146-8A>C on transcript NM_058216.3 (MANE Select); 8 bases into the intron before coding-DNA position 146, A replaced by C.
Molecular consequence: intron variant.
Genome position (GRCh38, 1-based): chr17:58,694,923, A>C. VCF-style: chr17-58694923-A-C. GRCh37 (hg19) VCF-style: chr17-56772284-A-C.
Other names: c.146-8A>C (NM_002876.4, NM_058216.2).
Identifiers: ClinVar variation 1151811 (VCV001151811.11), dbSNP rs201079501, ClinGen allele CA2267815191.
Genomic context (GRCh38, chr17:58,694,923, plus strand): 5'-AATCGATTATCATGTTACACTTTTAAATCTCTAAAATTAGGGTTCTTTTTTTCTTATTTT[A>C]CTTTCAGAAGTTGGGATATCTAAAGCAGAAGCCTTAGAAACTCTGCAAATTATCAGAAGA-3'

ClinVar aggregate classification (germline): Likely benign. Review status: criteria provided, multiple submitters, no conflicts (2 of 4 stars). 3 submissions from 3 submitters: Likely benign (2). 1 of the submissions does not count toward it. Last evaluated 2026-01-22.

Conditions:
RAD51C-related disorder. Also called: RAD51C-related condition; RAD51C-related disorders.
Breast-ovarian cancer, familial, susceptibility to, 3. Also called: RAD51C-Related Breast/Ovarian Cancer. Identifiers: Orphanet 145, MedGen C3150659, MONDO:0013253, OMIM 613399.
Fanconi anemia complementation group O. Also called: RAD51C-Related Fanconi Anemia. Identifiers: Orphanet 84, MedGen C3150653, MONDO:0013248, OMIM 613390.

Submissions (3):

Labcorp Genetics (formerly Invitae), Labcorp
Classification: Likely benign for Fanconi anemia complementation group O. Last evaluated: 2026-01-22. Review status: criteria provided, single submitter. Criteria: Invitae Variant Classification Sherloc (09022015). Collection method: clinical testing. Allele origin: germline.

Myriad Genetics, Inc.
Classification: Likely benign for Breast-ovarian cancer, familial, susceptibility to, 3. Last evaluated: 2025-02-14. Review status: criteria provided, single submitter. Criteria: Myriad Autosomal Dominant, Autosomal Recessive and X-Linked Classification Criteria (2023). Collection method: clinical testing. Allele origin: unknown.
Comment: This variant is considered likely benign. This variant is intronic and is not expected to impact mRNA splicing.

PreventionGenetics, part of Exact Sciences
Classification: Likely benign for RAD51C-related condition. Last evaluated: 2024-09-25. Review status: no assertion criteria provided. Collection method: clinical testing. Allele origin: germline. Not counted in ClinVar's aggregate classification.
Comment: This variant is classified as likely benign based on ACMG/AMP sequence variant interpretation guidelines (Richards et al. 2015 PMID: 25741868, with internal and published modifications).